The following is an entry in ClinVar:

NM_170606.3(KMT2C):c.12280A>G (p.Ile4094Val)

Gene: KMT2C (lysine methyltransferase 2C; minus strand). Cytogenetic location: 7q36.1.
Variant type: single nucleotide variant.
Coding change: c.12280A>G on transcript NM_170606.3 (MANE Select); coding-DNA position 12280, A replaced by G.
Protein change: p.Ile4094Val; replaces isoleucine 4094 with valine.
Molecular consequence: missense variant.
Genome position (GRCh38, 1-based): chr7:152,152,951, T>C on the plus strand (A>G on the coding strand, the complement: KMT2C is on the minus strand). VCF-style: chr7-152152951-T-C. GRCh37 (hg19) VCF-style: chr7-151850036-T-C.
Other names: short protein forms I4094V.
Identifiers: ClinVar variation 2632154 (VCV002632154.2), dbSNP rs775955880, ClinGen allele CA4578831.
Genomic context (GRCh38, chr7:152,152,951, plus strand): 5'-CATAGCTGTTAGGGATTCGGACGTGAAGAAGGTCGGAAAATGCAGCCACAACACTGCTAA[T>C]GTTCTAAAACCAAATGCAAATGCTGTATTATTCACCCAGAAGGCAACAGTGAACCACTGA-3'
Protein context (NP_733751.2, residues 4084-4104): ITLHPTAAEN[Ile4094Val]SSVVAAFSDL

ClinVar aggregate classification (germline): Uncertain significance. Review status: criteria provided, multiple submitters, no conflicts (2 of 4 stars). 2 submissions from 2 submitters: Uncertain significance (2). Last evaluated 2025-01-09.

Conditions:
KMT2C-related disorder. Also called: KMT2C-related condition; KMT2C-related disorders.
Inborn genetic diseases. Identifiers: MedGen C0950123, MeSH D030342.

Allele frequency attached by ClinVar (database versions not stated): ExAC 0.00001; gnomAD 0.00001; gnomAD exomes 0.00001; TOPMed 0.00001; 1000 Genomes Project 30x 0.00031.
gnomAD v4.1: 5 of 1,614,102 alleles (0.00031%); highest among the groups gnomAD compares: South Asian, 0.0055%; no homozygotes.

Submissions (2):

Ambry Genetics
Classification: Uncertain significance for Inborn genetic diseases. Last evaluated: 2025-01-09. Review status: criteria provided, single submitter. Criteria: Ambry Variant Classification Scheme 2023. Collection method: clinical testing. Allele origin: germline.

PreventionGenetics, part of Exact Sciences
Classification: Uncertain significance for KMT2C-related condition. Last evaluated: 2023-07-18. Review status: criteria provided, single submitter. Criteria: ACMG Guidelines, 2015. Collection method: clinical testing. Allele origin: germline.
Comment: The KMT2C c.12280A>G variant is predicted to result in the amino acid substitution p.Ile4094Val. To our knowledge, this variant has not been reported in the literature. This variant is reported in 0.0033% of alleles in individuals of South Asian descent in gnomAD. At this time, the clinical significance of this variant is uncertain due to the absence of conclusive functional and genetic evidence.